The following is an entry in ClinVar:

NM_001329943.3(KIAA0586):c.2402T>A (p.Met801Lys)

Gene: KIAA0586 (KIAA0586; plus strand). Cytogenetic location: 14q23.1.
Variant type: single nucleotide variant.
Coding change: c.2402T>A on transcript NM_001329943.3 (MANE Select); coding-DNA position 2402, T replaced by A.
Protein change: p.Met801Lys; replaces methionine 801 with lysine.
Molecular consequence: missense variant.
Genome position (GRCh38, 1-based): chr14:58,467,882, T>A. VCF-style: chr14-58467882-T-A. GRCh37 (hg19) VCF-style: chr14-58934600-T-A.
Other names: c.2561T>A, p.Met854Lys (NM_001244189.2); c.2357T>A, p.Met786Lys (NM_001244190.2); c.2147T>A, p.Met716Lys (NM_001244191.2, NM_001329945.2, NM_001364700.1 and 1 more transcripts); c.2270T>A, p.Met757Lys (NM_001244192.2); c.1982T>A, p.Met661Lys (NM_001244193.2); c.2402T>A, p.Met801Lys (NM_001329944.2, NM_001329946.2, NM_001329947.2); c.2174T>A, p.Met725Lys (NM_014749.5); short protein forms M661K, M801K, M725K, M757K, M716K, M786K, M854K.
Identifiers: ClinVar variation 1515368 (VCV001515368.5), dbSNP rs1267499182, ClinGen allele CA389875432.

ClinVar aggregate classification (germline): Uncertain significance (1 of 4 stars; one submission).

Conditions:
Short-rib thoracic dysplasia 14 with polydactyly (SRTD14). Identifiers: Orphanet 397715, MedGen C4225286, MONDO:0014688, OMIM 616546.
Joubert syndrome 23 (JBTS23). Identifiers: Orphanet 475, MedGen C4084822, MONDO:0014664, OMIM 616490.

Allele frequency attached by ClinVar (database versions not stated): gnomAD 0.00001; gnomAD exomes below 0.00001 and 0.00001; TOPMed 0.00001.
gnomAD v4.1: 5 of 1,613,214 alleles (0.00031%); highest among the groups gnomAD compares: Admixed American, 0.0033%; no homozygotes.

Submission:

Labcorp Genetics (formerly Invitae), Labcorp
Classification: Uncertain significance for Joubert syndrome 23; Short-rib thoracic dysplasia 14 with polydactyly. Last evaluated: 2025-08-21. Review status: criteria provided, single submitter. Criteria: Invitae Variant Classification Sherloc (09022015). Collection method: clinical testing. Allele origin: germline.
Comment: This sequence change replaces methionine, which is neutral and non-polar, with lysine, which is basic and polar, at codon 854 of the KIAA0586 protein (p.Met854Lys). The frequency data for this variant in the population databases is considered unreliable, as metrics indicate poor data quality at this position in the gnomAD database. This variant has not been reported in the literature in individuals affected with KIAA0586-related conditions. ClinVar contains an entry for this variant (Variation ID: 1515368). Invitae Evidence Modeling of protein sequence and biophysical properties (such as structural, functional, and spatial information, amino acid conservation, physicochemical variation, residue mobility, and thermodynamic stability) indicates that this missense variant is expected to disrupt KIAA0586 protein function with a positive predictive value of 80%. In summary, the available evidence is currently insufficient to determine the role of this variant in disease. Therefore, it has been classified as a Variant of Uncertain Significance.